The following is an entry in ClinVar:

NM_000283.4(PDE6B):c.2139G>A (p.Met713Ile)

Gene: PDE6B (phosphodiesterase 6B; plus strand). Cytogenetic location: 4p16.3.
Variant type: single nucleotide variant.
Coding change: c.2139G>A on transcript NM_000283.4 (MANE Select); coding-DNA position 2139, G replaced by A.
Protein change: p.Met713Ile; replaces methionine 713 with isoleucine.
Molecular consequence: missense variant.
Genome position (GRCh38, 1-based): chr4:664,890, G>A. VCF-style: chr4-664890-G-A. GRCh37 (hg19) VCF-style: chr4-658679-G-A.
Other names: c.2139G>A, p.Met713Ile (NM_001145291.2); c.1302G>A, p.Met434Ile (NM_001145292.2, NM_001350154.3, NM_001379246.1 and 1 more transcripts); c.984G>A, p.Met328Ile (NM_001350155.3); short protein forms M713I, M328I, M434I.
Identifiers: ClinVar variation 2994721 (VCV002994721.3), dbSNP rs1192415425, ClinGen allele CA355919605.

ClinVar aggregate classification (germline): Uncertain significance (1 of 4 stars; one submission).

Allele frequency attached by ClinVar (database versions not stated): gnomAD exomes 0.00001.
gnomAD v4.1: 4 of 1,613,272 alleles (0.00025%); highest among the groups gnomAD compares: Non-Finnish European, 0.000085%; no homozygotes.

Submission:

Labcorp Genetics (formerly Invitae), Labcorp
Classification: Uncertain significance. Last evaluated: 2023-10-18. Review status: criteria provided, single submitter. Criteria: Invitae Variant Classification Sherloc (09022015). Collection method: clinical testing. Allele origin: germline.
Comment: This sequence change replaces methionine, which is neutral and non-polar, with isoleucine, which is neutral and non-polar, at codon 713 of the PDE6B protein (p.Met713Ile). This variant is present in population databases (no rsID available, gnomAD 0.004%). This variant has not been reported in the literature in individuals affected with PDE6B-related conditions. Advanced modeling of protein sequence and biophysical properties (such as structural, functional, and spatial information, amino acid conservation, physicochemical variation, residue mobility, and thermodynamic stability) performed at Invitae indicates that this missense variant is not expected to disrupt PDE6B protein function. Algorithms developed to predict the effect of sequence changes on RNA splicing suggest that this variant may disrupt the consensus splice site. In summary, the available evidence is currently insufficient to determine the role of this variant in disease. Therefore, it has been classified as a Variant of Uncertain Significance.